The following is an entry in ClinVar:

NM_001399.5(EDA):c.641T>C (p.Met214Thr)

Gene: EDA (ectodysplasin A; plus strand). Cytogenetic location: Xq13.1.
Variant type: single nucleotide variant.
Coding change: c.641T>C on transcript NM_001399.5 (MANE Select); coding-DNA position 641, T replaced by C.
Protein change: p.Met214Thr; replaces methionine 214 with threonine.
Molecular consequence: missense variant.
Genome position (GRCh38, 1-based): chrX:70,027,971, T>C. VCF-style: chrX-70027971-T-C. GRCh37 (hg19) VCF-style: chrX-69247821-T-C.
Other names: c.641T>C, p.Met214Thr (NM_001005609.2, NM_001005612.3); short protein forms M214T.
Identifiers: ClinVar variation 3365442 (VCV003365442.1).

ClinVar aggregate classification (germline): Uncertain significance (1 of 4 stars; one submission).

Submission:

GeneDx
Classification: Uncertain significance. Last evaluated: 2023-12-10. Review status: criteria provided, single submitter. Criteria: GeneDx Variant Classification Process June 2021. Collection method: clinical testing. Allele origin: germline. Affected: yes.
Comment: Has not been previously published as pathogenic or benign to our knowledge; Not observed at significant frequency in large population cohorts (gnomAD); Missense variants in this gene are a common cause of disease and they are underrepresented in the general population; In silico analysis supports that this missense variant does not alter protein structure/function